The following is an entry in ClinVar:

NM_000260.4(MYO7A):c.5665C>T (p.Leu1889=)

Gene: MYO7A (myosin VIIA; plus strand). Cytogenetic location: 11q13.5.
Variant type: single nucleotide variant.
Coding change: c.5665C>T on transcript NM_000260.4 (MANE Select); coding-DNA position 5665, C replaced by T.
Protein change: p.Leu1889=; no amino-acid change (leucine 1889 retained).
Molecular consequence: synonymous variant.
Genome position (GRCh38, 1-based): chr11:77,206,125, C>T. VCF-style: chr11-77206125-C-T. GRCh37 (hg19) VCF-style: chr11-76917170-C-T.
Other names: c.5551C>T, p.Leu1851= (NM_001127180.2); c.5518C>T, p.Leu1840= (NM_001369365.1).
Identifiers: ClinVar variation 505431 (VCV000505431.20), dbSNP rs778051833, ClinGen allele CA6198789.

ClinVar aggregate classification (germline): Conflicting classifications of pathogenicity. Review status: criteria provided, conflicting classifications (1 of 4 stars). 8 submissions from 6 submitters: Uncertain significance (3); Likely benign (3). 2 of the submissions do not count toward it. Last evaluated 2025-09-08.

Conditions:
Autosomal dominant nonsyndromic hearing loss 11. Identifiers: Orphanet 90635, MedGen C1832475, MONDO:0011032, OMIM 601317.
Autosomal recessive nonsyndromic hearing loss 2. Also called: DEAFNESS, AUTOSOMAL RECESSIVE 2; NEUROSENSORY NONSYNDROMIC RECESSIVE DEAFNESS 2. Identifiers: Orphanet 90636, MedGen C1838701, MONDO:0010807, OMIM 600060.
Usher syndrome type 1 (USH1). Also called: RETINITIS PIGMENTOSA AND CONGENITAL DEAFNESS. Identifiers: Orphanet 231169, Orphanet 886, MedGen C1568247, MONDO:0010168, OMIM 276900.

Allele frequency attached by ClinVar (database versions not stated): gnomAD exomes 0.00003 and 0.00004; TOPMed 0.00004; ExAC 0.00005; gnomAD 0.00007.

Submissions (8):

Labcorp Genetics (formerly Invitae), Labcorp
Classification: Likely benign. Last evaluated: 2025-09-08. Review status: criteria provided, single submitter. Criteria: Invitae Variant Classification Sherloc (09022015). Collection method: clinical testing. Allele origin: germline.

Blueprint Genetics
Classification: Likely benign. Last evaluated: 2023-01-03. Review status: criteria provided, single submitter. Criteria: ACMG Guidelines, 2015. Collection method: clinical testing. Allele origin: germline.

Illumina Laboratory Services, Illumina
Classification: Uncertain significance for Autosomal recessive nonsyndromic hearing loss 2. Last evaluated: 2018-03-02. Review status: criteria provided, single submitter. Criteria: ICSL Variant Classification Criteria 13 December 2019. Collection method: clinical testing. Allele origin: germline.

Illumina Laboratory Services, Illumina
Classification: Uncertain significance for Autosomal dominant nonsyndromic hearing loss 11. Last evaluated: 2018-03-02. Review status: criteria provided, single submitter. Criteria: ICSL Variant Classification Criteria 13 December 2019. Collection method: clinical testing. Allele origin: germline.

Illumina Laboratory Services, Illumina
Classification: Uncertain significance for Usher syndrome type 1. Last evaluated: 2018-03-02. Review status: criteria provided, single submitter. Criteria: ICSL Variant Classification Criteria 13 December 2019. Collection method: clinical testing. Allele origin: germline.

Laboratory for Molecular Medicine, Mass General Brigham Personalized Medicine
Classification: Likely benign. Last evaluated: 2016-11-17. Review status: criteria provided, single submitter. Criteria: LMM Criteria. Collection method: clinical testing. Allele origin: germline. Observed: 1 variant allele.
Comment: p.Leu1889Leu in exon 41 of MYO7A: This variant is not expected to have clinical significance because it does not alter an amino acid residue and is not located within the splice consensus sequence. It has been identified in 5/58758 of Europ ean chromosomes by the Exome Aggregation Consortium (ExAC; dbSNP rs778051833).

Clinical Genetics DNA and cytogenetics Diagnostics Lab, Erasmus MC, Erasmus Medical Center
Classification: Likely benign. Review status: no assertion criteria provided. Collection method: clinical testing. Allele origin: germline. Affected: yes. Study: VKGL Data-share Consensus. Not counted in ClinVar's aggregate classification.

Clinical Genetics, Academic Medical Center
Classification: Likely benign. Review status: no assertion criteria provided. Collection method: clinical testing. Allele origin: germline. Affected: yes. Study: VKGL Data-share Consensus. Not counted in ClinVar's aggregate classification.